The following is an entry in ClinVar:

ClinVar aggregate classification (germline): Benign/Likely benign. Review status: criteria provided, multiple submitters, no conflicts (2 of 4 stars). 3 submissions from 3 submitters: Benign (1); Likely benign (1). 1 of the submissions does not count toward it. Last evaluated 2025-12-11.

Conditions:
COL17A1-related disorder. Also called: COL17A1-related condition.

Allele frequency attached by ClinVar (database versions not stated): TOPMed 0.00005; gnomAD 0.00031; gnomAD exomes 0.00037; ExAC 0.00090; 1000 Genomes Project 30x 0.00219; 1000 Genomes Project 0.00260.
gnomAD v4.1: 585 of 1,614,122 alleles (0.036%); highest among the groups gnomAD compares: South Asian, 0.58%; 6 homozygotes.

Submissions (3):

Labcorp Genetics (formerly Invitae), Labcorp
Classification: Benign. Last evaluated: 2025-12-11. Review status: criteria provided, single submitter. Criteria: Invitae Variant Classification Sherloc (09022015). Collection method: clinical testing. Allele origin: germline.

Blueprint Genetics
Classification: Likely benign. Last evaluated: 2024-03-21. Review status: criteria provided, single submitter. Criteria: ACMG Guidelines, 2015. Collection method: clinical testing. Allele origin: germline.

PreventionGenetics, part of Exact Sciences
Classification: Likely benign for COL17A1-related condition. Last evaluated: 2021-12-07. Review status: no assertion criteria provided. Collection method: clinical testing. Allele origin: germline. Not counted in ClinVar's aggregate classification.
Comment: This variant is classified as likely benign based on ACMG/AMP sequence variant interpretation guidelines (Richards et al. 2015 PMID: 25741868, with internal and published modifications).

NM_000494.4(COL17A1):c.1592C>T (p.Ala531Val)

Gene: COL17A1 (collagen type XVII alpha 1 chain; minus strand). Cytogenetic location: 10q25.1.
Variant type: single nucleotide variant.
Coding change: c.1592C>T on transcript NM_000494.4 (MANE Select); coding-DNA position 1592, C replaced by T.
Protein change: p.Ala531Val; replaces alanine 531 with valine.
Molecular consequence: missense variant.
Genome position (GRCh38, 1-based): chr10:104,055,877, G>A on the plus strand (C>T on the coding strand, the complement: COL17A1 is on the minus strand). VCF-style: chr10-104055877-G-A. GRCh37 (hg19) VCF-style: chr10-105815635-G-A.
Other names: c.1592C>T (NM_000494.3); short protein forms A531V.
Identifiers: ClinVar variation 2918649 (VCV002918649.6), dbSNP rs113615524, ClinGen allele CA5678982.
Genomic context (GRCh38, chr10:104,055,877, plus strand): 5'-AACATCCAGAGCTCCTCCTGGCTGTCACTGTGCAGCCCAATTTTGTCCAGGTCTGCTCCC[G>A]CCGCGGGTGCCATGCCCTGGAGGCGGTCCTTTTCTATTCTATCCATGCTGTCCCCATAGG-3'
Protein context (NP_000485.3, residues 521-541): KDRLQGMAPA[Ala531Val]GADLDKIGLH